The following is an entry in ClinVar:

ClinVar aggregate classification (germline): Uncertain significance (1 of 4 stars; one submission).

Conditions:
Inborn genetic diseases. Identifiers: MedGen C0950123, MeSH D030342.

Submission:

Ambry Genetics
Classification: Uncertain significance for Inborn genetic diseases. Last evaluated: 2025-07-28. Review status: criteria provided, single submitter. Criteria: Ambry Variant Classification Scheme 2023. Collection method: clinical testing. Allele origin: germline.
Comment: The c.511C>T (p.R171*) alteration, located in exon 7 (coding exon 7) of the ASXL1 gene, consists of a C to T substitution at nucleotide position 511. This changes the amino acid from an arginine (R) to a stop codon at amino acid position 171. This alteration may result in loss of function by premature protein truncation or nonsense-mediated mRNA decay. However, the clinical relevance of coding exon 7 is uncertain (Ambry internal data). This variant was not reported in population-based cohorts in the Genome Aggregation Database (gnomAD). Based on insufficient or conflicting evidence, the clinical significance of this alteration remains unclear.

NM_015338.6(ASXL1):c.511C>T (p.Arg171Ter)

Gene: ASXL1 (ASXL transcriptional regulator 1; plus strand). Cytogenetic location: 20q11.21.
Variant type: single nucleotide variant.
Coding change: c.511C>T on transcript NM_015338.6 (MANE Select); coding-DNA position 511, C replaced by T.
Protein change: p.Arg171Ter; replaces arginine 171 with a stop codon.
Molecular consequence: nonsense.
Genome position (GRCh38, 1-based): chr20:32,429,377, C>T. VCF-style: chr20-32429377-C-T. GRCh37 (hg19) VCF-style: chr20-31017180-C-T.
Other names: c.481C>T, p.Arg161Ter (NM_001363734.1); short protein forms R161*, R171*.
Identifiers: ClinVar variation 4159801 (VCV004159801.1).
Genomic context (GRCh38, chr20:32,429,377, plus strand): 5'-TTGTTCTCTCTTGGAACGCAGGCGAACAAACAAAAGAAAAAGACTGGGGTGATGCTGCCT[C>T]GAGTTGTCCTGACTCCTCTGAAGGTAAACGGGGCCCACGTGGAATCTGCATCAGGTATGT-3'